The following is an entry in ClinVar:

NM_012301.4(MAGI2):c.96G>C (p.Leu32=)

Genes: MAGI2 (membrane associated guanylate kinase, WW and PDZ domain containing 2; minus strand), MAGI2-AS3 (MAGI2 antisense RNA 3; plus strand). Cytogenetic location: 7q21.11.
Variant type: single nucleotide variant.
Coding change: c.96G>C on transcript NM_012301.4 (MANE Select); coding-DNA position 96, G replaced by C.
Protein change: p.Leu32=; no amino-acid change (leucine 32 retained).
Molecular consequence: synonymous variant.
Genome position (GRCh38, 1-based): chr7:79,453,225, C>G on the plus strand (G>C on the coding strand, the complement: MAGI2 is on the minus strand). VCF-style: chr7-79453225-C-G. GRCh37 (hg19) VCF-style: chr7-79082541-C-G.
Other names: c.96G>C, p.Leu32= (NM_001301128.2).
Identifiers: ClinVar variation 4980887 (VCV004980887.1).

ClinVar aggregate classification (germline): Likely benign (1 of 4 stars; one submission).

Conditions:
MAGI2-related disorder. Also called: MAGI2-related condition.

gnomAD v4.1: 21 of 1,613,876 alleles (0.0013%); highest among the groups gnomAD compares: Admixed American, 0.028%; no homozygotes.

Submission:

PreventionGenetics, part of Exact Sciences
Classification: Likely benign for MAGI2-related condition. Last evaluated: 2025-07-07. Review status: criteria provided, single submitter. Criteria: ACMG Guidelines, 2015. Collection method: clinical testing. Allele origin: germline.
Comment: This variant is classified as likely benign based on ACMG/AMP sequence variant interpretation guidelines (Richards et al. 2015 PMID: 25741868, with internal and published modifications).